The following is an entry in ClinVar:

NM_020719.3(PRR12):c.5419G>A (p.Gly1807Ser)

Gene: PRR12 (proline rich 12; plus strand). Cytogenetic location: 19q13.33.
Variant type: single nucleotide variant.
Coding change: c.5419G>A on transcript NM_020719.3 (MANE Select); coding-DNA position 5419, G replaced by A.
Protein change: p.Gly1807Ser; replaces glycine 1807 with serine.
Molecular consequence: missense variant.
Genome position (GRCh38, 1-based): chr19:49,616,141, G>A. VCF-style: chr19-49616141-G-A. GRCh37 (hg19) VCF-style: chr19-50119398-G-A.
Other names: short protein forms G1807S.
Identifiers: ClinVar variation 3036837 (VCV003036837.2), dbSNP rs201043961, ClinGen allele CA9578681.

ClinVar aggregate classification (germline): Likely benign (0 of 4 stars; one submission).

Conditions:
PRR12-related disorder. Also called: PRR12-related condition.

Allele frequency attached by ClinVar (database versions not stated): gnomAD exomes 0.00008; ExAC 0.00025; ESP Exome Variant Server 0.00056; 1000 Genomes Project 0.00060; 1000 Genomes Project 30x 0.00062; gnomAD 0.00062; TOPMed 0.00068.
gnomAD v4.1: 219 of 1,566,654 alleles (0.014%); highest among the groups gnomAD compares: African/African-American, 0.24%; no homozygotes.

Submission:

PreventionGenetics, part of Exact Sciences
Classification: Likely benign for PRR12-related condition. Last evaluated: 2022-02-07. Review status: no assertion criteria provided. Collection method: clinical testing. Allele origin: germline.
Comment: This variant is classified as likely benign based on ACMG/AMP sequence variant interpretation guidelines (Richards et al. 2015 PMID: 25741868, with internal and published modifications).